The following is an entry in ClinVar:

ClinVar aggregate classification (germline): Benign/Likely benign. Review status: criteria provided, multiple submitters, no conflicts (2 of 4 stars). 4 submissions from 3 submitters: Benign (3); Likely benign (1). Last evaluated 2021-05-10.

Conditions:
Lethal multiple pterygium syndrome (LMPS). Identifiers: Orphanet 33108, MedGen C1854678, MONDO:0009668, OMIM 253290.
Congenital myasthenic syndrome (CMS). Also called: Congenital Myasthenic Syndromes. Identifiers: Orphanet 590, MedGen C0751882, MeSH D020294, MONDO:0018940.

Allele frequency attached by ClinVar (database versions not stated): gnomAD 0.34980 and 0.35699; TOPMed 0.37115; gnomAD exomes 0.40364 and 0.43352; 1000 Genomes Project 30x 0.41084; ExAC 0.41244; 1000 Genomes Project 0.41593.
gnomAD v4.1: 175,890 of 453,964 alleles (39%); highest among the groups gnomAD compares: Admixed American, 57%; 36,080 homozygotes.

Submissions (4):

GeneDx
Classification: Benign. Last evaluated: 2021-05-10. Review status: criteria provided, single submitter. Criteria: GeneDx Variant Classification Process June 2021. Collection method: clinical testing. Allele origin: germline. Affected: yes.

Illumina Laboratory Services, Illumina
Classification: Benign for Lethal multiple pterygium syndrome. Last evaluated: 2018-01-12. Review status: criteria provided, single submitter. Criteria: ICSL Variant Classification Criteria 13 December 2019. Collection method: clinical testing. Allele origin: germline.
Comment: This variant was observed in the ICSL laboratory as part of a predisposition screen in an ostensibly healthy population. It had not been previously curated by ICSL or reported in the Human Gene Mutation Database (HGMD: prior to June 1st, 2018), and was therefore a candidate for classification through an automated scoring system. Utilizing variant allele frequency, disease prevalence and penetrance estimates, and inheritance mode, an automated score was calculated to assess if this variant is too frequent to cause the disease. Based on the score and internal cut-off values, a variant classified as benign is not then subjected to further curation. The score for this variant resulted in a classification of benign for this disease.

Illumina Laboratory Services, Illumina
Classification: Benign for Congenital myasthenic syndrome. Last evaluated: 2018-01-12. Review status: criteria provided, single submitter. Criteria: ICSL Variant Classification Criteria 13 December 2019. Collection method: clinical testing. Allele origin: germline.
Comment: the same text as in the submission from Illumina Laboratory Services, Illumina above.

Breakthrough Genomics
Classification: Likely benign. Review status: criteria provided, single submitter. Criteria: ACMG Guidelines, 2015. Collection method: not provided. Allele origin: germline. Inheritance: Autosomal recessive inheritance. Affected: yes.

NM_000751.3(CHRND):c.*885T>C

Gene: CHRND (cholinergic receptor nicotinic delta subunit; plus strand). Cytogenetic location: 2q37.1.
Variant type: single nucleotide variant.
Coding change: c.*885T>C on transcript NM_000751.3 (MANE Select); 885 bases downstream of the stop codon, T replaced by C.
Molecular consequence: 3 prime UTR variant.
Genome position (GRCh38, 1-based): chr2:232,536,197, T>C. VCF-style: chr2-232536197-T-C. GRCh37 (hg19) VCF-style: chr2-233400907-T-C.
Other names: c.*885T>C (NM_001256657.2, NM_001311195.2, NM_001311196.2).
Identifiers: ClinVar variation 334991 (VCV000334991.8), dbSNP rs1004175, ClinGen allele CA2168447.